The following is an entry in ClinVar:

ClinVar aggregate classification (germline): Uncertain significance (1 of 4 stars; one submission).

Submission:

GeneDx
Classification: Uncertain significance. Last evaluated: 2025-06-12. Review status: criteria provided, single submitter. Criteria: GeneDx Variant Classification Process June 2021. Collection method: clinical testing. Allele origin: germline. Affected: yes.
Comment: Not observed at significant frequency in large population cohorts (gnomAD); In silico analysis supports that this missense variant has a deleterious effect on protein structure/function; Has not been previously published as pathogenic or benign to our knowledge

NM_005826.5(HNRNPR):c.395A>G (p.Glu132Gly)

Gene: HNRNPR (heterogeneous nuclear ribonucleoprotein R; minus strand). Cytogenetic location: 1p36.12.
Variant type: single nucleotide variant.
Coding change: c.395A>G on transcript NM_005826.5 (MANE Select); coding-DNA position 395, A replaced by G.
Protein change: p.Glu132Gly; replaces glutamic acid 132 with glycine.
Molecular consequence: missense variant. On other transcripts: intron variant (2).
Genome position (GRCh38, 1-based): chr1:23,333,621, T>C on the plus strand (A>G on the coding strand, the complement: HNRNPR is on the minus strand). VCF-style: chr1-23333621-T-C. GRCh37 (hg19) VCF-style: chr1-23660114-T-C.
Other names: c.92A>G, p.Glu31Gly (NM_001102397.3, NM_001102399.3, NM_001297621.2); c.395A>G, p.Glu132Gly (NM_001102398.3, NM_001437727.1, NM_001438564.1); c.81+4133A>G (NM_001297622.2); c.384+4133A>G (NM_001297620.2); short protein forms E132G, E31G.
Identifiers: ClinVar variation 4537753 (VCV004537753.1).